The following is an entry in ClinVar:

ClinVar aggregate classification (germline): Uncertain significance (1 of 4 stars; one submission).

Conditions:
Charcot-Marie-Tooth disease axonal type 2F (CMT2F). Also called: Charcot-Marie-Tooth Neuropathy Type 2F; CHARCOT-MARIE-TOOTH DISEASE, NEURONAL, TYPE 2F. Identifiers: Orphanet 99940, MedGen C1847823, MONDO:0011687, OMIM 606595.

gnomAD v4.1: 20 of 1,544,346 alleles (0.0013%); highest among the groups gnomAD compares: Non-Finnish European, 0.0017%; no homozygotes.

Submission:

Labcorp Genetics (formerly Invitae), Labcorp
Classification: Uncertain significance for Charcot-Marie-Tooth disease axonal type 2F. Last evaluated: 2025-10-03. Review status: criteria provided, single submitter. Criteria: Invitae Variant Classification Sherloc (09022015). Collection method: clinical testing. Allele origin: germline.
Comment: This sequence change replaces serine, which is neutral and polar, with threonine, which is neutral and polar, at codon 83 of the HSPB1 protein (p.Ser83Thr). This variant is present in population databases (no rsID available, gnomAD 0.007%). This variant has not been reported in the literature in individuals affected with HSPB1-related conditions. Invitae Evidence Modeling of protein sequence and biophysical properties (such as structural, functional, and spatial information, amino acid conservation, physicochemical variation, residue mobility, and thermodynamic stability) indicates that this missense variant is not expected to disrupt HSPB1 protein function with a negative predictive value of 95%. In summary, the available evidence is currently insufficient to determine the role of this variant in disease. Therefore, it has been classified as a Variant of Uncertain Significance.

NM_001540.5(HSPB1):c.248G>C (p.Ser83Thr)

Gene: HSPB1 (heat shock protein family B (small) member 1; plus strand). Cytogenetic location: 7q11.23.
Variant type: single nucleotide variant.
Coding change: c.248G>C on transcript NM_001540.5 (MANE Select); coding-DNA position 248, G replaced by C.
Protein change: p.Ser83Thr; replaces serine 83 with threonine.
Molecular consequence: missense variant.
Genome position (GRCh38, 1-based): chr7:76,302,960, G>C. VCF-style: chr7-76302960-G-C. GRCh37 (hg19) VCF-style: chr7-75932277-G-C.
Other names: short protein forms S83T.
Identifiers: ClinVar variation 4805144 (VCV004805144.1).
Genomic context (GRCh38, chr7:76,302,960, plus strand): 5'-TCGAGAGCCCCGCAGTGGCCGCGCCCGCCTACAGCCGCGCGCTCAGCCGGCAACTCAGCA[G>C]CGGGGTCTCGGAGATCCGGCACACTGCGGACCGCTGGCGCGTGTCCCTGGATGTCAACCA-3'
Protein context (NP_001531.1, residues 73-93): YSRALSRQLS[Ser83Thr]GVSEIRHTAD